The following is an entry in ClinVar:

NM_001267550.2(TTN):c.51460G>A (p.Val17154Ile)

Genes: TTN (titin; minus strand), TTN-AS1 (TTN antisense RNA 1; plus strand). Cytogenetic location: 2q31.2.
Variant type: single nucleotide variant.
Coding change: c.51460G>A on transcript NM_001267550.2 (MANE Select); coding-DNA position 51460, G replaced by A.
Protein change: p.Val17154Ile; replaces valine 17154 with isoleucine.
Molecular consequence: missense variant.
Genome position (GRCh38, 1-based): chr2:178,609,963, C>T on the plus strand (G>A on the coding strand, the complement: TTN is on the minus strand). VCF-style: chr2-178609963-C-T. GRCh37 (hg19) VCF-style: chr2-179474690-C-T.
Other names: c.46537G>A, p.Val15513Ile (NM_001256850.1); c.24265G>A, p.Val8089Ile (NM_003319.4); c.43756G>A, p.Val14586Ile (NM_133378.4); c.24640G>A, p.Val8214Ile (NM_133432.3); c.24841G>A, p.Val8281Ile (NM_133437.4); short protein forms V15513I, V8089I, V8281I, V17154I, V8214I, V14586I.
Identifiers: ClinVar variation 1791089 (VCV001791089.3), dbSNP rs374701373, ClinGen allele CA1994184.

ClinVar aggregate classification (germline): Uncertain significance. Review status: criteria provided, multiple submitters, no conflicts (2 of 4 stars). 2 submissions from 2 submitters: Uncertain significance (2). Last evaluated 2025-11-04.

Conditions:
Cardiovascular phenotype. Identifiers: MedGen CN230736.

Allele frequency attached by ClinVar (database versions not stated): gnomAD exomes 0.00001; ExAC 0.00003; gnomAD 0.00005; TOPMed 0.00006; ESP Exome Variant Server 0.00008.
gnomAD v4.1: 15 of 1,612,126 alleles (0.00093%); highest among the groups gnomAD compares: African/African-American, 0.0094%; no homozygotes.

Submissions (2):

Women's Health and Genetics/Laboratory Corporation of America, LabCorp
Classification: Uncertain significance. Last evaluated: 2025-11-04. Review status: criteria provided, single submitter. Criteria: LabCorp Variant Classification Summary - May 2015. Collection method: clinical testing. Allele origin: germline.

Ambry Genetics
Classification: Uncertain significance for Cardiovascular phenotype. Last evaluated: 2020-01-31. Review status: criteria provided, single submitter. Criteria: Ambry Variant Classification Scheme 2023. Collection method: clinical testing. Allele origin: germline.
Comment: The p.V8089I variant (also known as c.24265G>A), located in coding exon 99 of the TTN gene, results from a G to A substitution at nucleotide position 24265. The valine at codon 8089 is replaced by isoleucine, an amino acid with highly similar properties. This amino acid position is well conserved in available vertebrate species. In addition, this alteration is predicted to be tolerated by in silico analysis. Since supporting evidence is limited at this time, the clinical significance of this alteration remains unclear.